The following is an entry in ClinVar:

ClinVar aggregate classification (germline): Benign. Review status: criteria provided, multiple submitters, no conflicts (2 of 4 stars). 3 submissions from 3 submitters: Benign (3). Last evaluated 2025-07-17.

Allele frequency attached by ClinVar (database versions not stated): ExAC 0.00384; gnomAD 0.01268 and 0.01354; 1000 Genomes Project 0.01338; 1000 Genomes Project 30x 0.01421; gnomAD exomes 0.00118 and 0.00303; TOPMed 0.01423; ESP Exome Variant Server 0.01592.
gnomAD v4.1: 3,768 of 1,614,026 alleles (0.23%); highest among the groups gnomAD compares: African/African-American, 4.3%; 74 homozygotes.

Submissions (3):

Mayo Clinic Laboratories, Mayo Clinic
Classification: Benign. Last evaluated: 2025-07-17. Review status: criteria provided, single submitter. Criteria: ACMG Guidelines, 2015. Collection method: clinical testing. Allele origin: germline. Observed: 2 variant alleles.
Comment: BS1, BS2, BP4

Labcorp Genetics (formerly Invitae), Labcorp
Classification: Benign. Last evaluated: 2019-12-31. Review status: criteria provided, single submitter. Criteria: Invitae Variant Classification Sherloc (09022015). Collection method: clinical testing. Allele origin: germline.

Breakthrough Genomics
Classification: Benign. Review status: criteria provided, single submitter. Criteria: ACMG Guidelines, 2015. Collection method: not provided. Allele origin: germline. Inheritance: Autosomal recessive inheritance. Affected: yes.

NM_000892.5(KLKB1):c.931T>G (p.Phe311Val)

Gene: KLKB1 (kallikrein B1; plus strand). Cytogenetic location: 4q35.2.
Variant type: single nucleotide variant.
Coding change: c.931T>G on transcript NM_000892.5 (MANE Select); coding-DNA position 931, T replaced by G.
Protein change: p.Phe311Val; replaces phenylalanine 311 with valine.
Molecular consequence: missense variant.
Genome position (GRCh38, 1-based): chr4:186,251,549, T>G. VCF-style: chr4-186251549-T-G. GRCh37 (hg19) VCF-style: chr4-187172703-T-G.
Other names: p.Phe311Val; c.817T>G, p.Phe273Val (NM_001318394.2); c.325T>G, p.Phe109Val (NM_001318396.2); short protein forms F273V, F109V, F311V.
Identifiers: ClinVar variation 712554 (VCV000712554.6), dbSNP rs4253377, ClinGen allele CA3163236.